The following is an entry in ClinVar:

ClinVar aggregate classification (germline): Uncertain significance (1 of 4 stars; one submission).

gnomAD v4.1: 2 of 1,610,622 alleles (0.00012%); highest among the groups gnomAD compares: Non-Finnish European, 0.00017%; no homozygotes.

Submission:

Labcorp Genetics (formerly Invitae), Labcorp
Classification: Uncertain significance. Last evaluated: 2025-03-18. Review status: criteria provided, single submitter. Criteria: Invitae Variant Classification Sherloc (09022015). Collection method: clinical testing. Allele origin: germline.
Comment: This sequence change replaces leucine, which is neutral and non-polar, with arginine, which is basic and polar, at codon 1937 of the POLE protein (p.Leu1937Arg). This variant is not present in population databases (gnomAD no frequency). This variant has not been reported in the literature in individuals affected with POLE-related conditions. An algorithm developed to predict the effect of missense changes on protein structure and function outputs the following: PolyPhen-2: "Benign". The arginine amino acid residue is found in multiple mammalian species, which suggests that this missense change does not adversely affect protein function. In summary, the available evidence is currently insufficient to determine the role of this variant in disease. Therefore, it has been classified as a Variant of Uncertain Significance.

NM_006231.4(POLE):c.5810T>G (p.Leu1937Arg)

Gene: POLE (DNA polymerase epsilon, catalytic subunit; minus strand). Cytogenetic location: 12q24.33.
Variant type: single nucleotide variant.
Coding change: c.5810T>G on transcript NM_006231.4 (MANE Select); coding-DNA position 5810, T replaced by G.
Protein change: p.Leu1937Arg; replaces leucine 1937 with arginine.
Molecular consequence: missense variant.
Genome position (GRCh38, 1-based): chr12:132,635,893, A>C on the plus strand (T>G on the coding strand, the complement: POLE is on the minus strand). VCF-style: chr12-132635893-A-C. GRCh37 (hg19) VCF-style: chr12-133212479-A-C.
Other names: short protein forms L1937R.
Identifiers: ClinVar variation 4715391 (VCV004715391.1).